The following is an entry in ClinVar:

ClinVar aggregate classification (germline): Uncertain significance (1 of 4 stars; one submission).

Conditions:
Inborn genetic diseases. Identifiers: MedGen C0950123, MeSH D030342.

Allele frequency attached by ClinVar (database versions not stated): gnomAD exomes below 0.00001; ExAC 0.00002.
gnomAD v4.1: 6 of 1,614,098 alleles (0.00037%); highest among the groups gnomAD compares: South Asian, 0.0055%; no homozygotes.

Submission:

Ambry Genetics
Classification: Uncertain significance for Inborn genetic diseases. Last evaluated: 2020-12-31. Review status: criteria provided, single submitter. Criteria: Ambry Variant Classification Scheme 2023. Collection method: clinical testing. Allele origin: germline.
Comment: The c.1499C>G (p.T500R) alteration is located in exon 9 (coding exon 7) of the ACSF3 gene. This alteration results from a C to G substitution at nucleotide position 1499, causing the threonine (T) at amino acid position 500 to be replaced by an arginine (R). The p.T500R alteration is predicted to be tolerated by in silico analysis. Based on insufficient or conflicting evidence, the clinical significance of this alteration remains unclear.

NM_001243279.3(ACSF3):c.1499C>G (p.Thr500Arg)

Gene: ACSF3 (acyl-CoA synthetase family member 3; plus strand). Cytogenetic location: 16q24.3.
Variant type: single nucleotide variant.
Coding change: c.1499C>G on transcript NM_001243279.3 (MANE Select); coding-DNA position 1499, C replaced by G.
Protein change: p.Thr500Arg; replaces threonine 500 with arginine.
Molecular consequence: missense variant. On other transcripts: non-coding transcript variant (4).
Genome position (GRCh38, 1-based): chr16:89,145,399, C>G. VCF-style: chr16-89145399-C-G. GRCh37 (hg19) VCF-style: chr16-89211807-C-G.
Other names: c.1499C>G, p.Thr500Arg (NM_001127214.4, NM_174917.5); c.704C>G, p.Thr235Arg (NM_001284316.2); short protein forms T500R, T235R.
Identifiers: ClinVar variation 2228554 (VCV002228554.2), dbSNP rs768219025, ClinGen allele CA8238237.